The following is an entry in ClinVar:

ClinVar aggregate classification (germline): Uncertain significance (1 of 4 stars; one submission).

Allele frequency attached by ClinVar (database versions not stated): ExAC 0.00007; 1000 Genomes Project 30x 0.00016; 1000 Genomes Project 0.00020.
gnomAD v4.1: 61 of 1,613,228 alleles (0.0038%); highest among the groups gnomAD compares: South Asian, 0.066%; no homozygotes.

Submission:

Labcorp Genetics (formerly Invitae), Labcorp
Classification: Uncertain significance. Last evaluated: 2025-07-02. Review status: criteria provided, single submitter. Criteria: Invitae Variant Classification Sherloc (09022015). Collection method: clinical testing. Allele origin: germline.
Comment: This sequence change replaces leucine, which is neutral and non-polar, with isoleucine, which is neutral and non-polar, at codon 223 of the HMCN1 protein (p.Leu223Ile). This variant is present in population databases (rs572742171, gnomAD 0.06%), and has an allele count higher than expected for a pathogenic variant. This variant has not been reported in the literature in individuals affected with HMCN1-related conditions. ClinVar contains an entry for this variant (Variation ID: 1979245). An algorithm developed to predict the effect of missense changes on protein structure and function (PolyPhen-2) suggests that this variant is likely to be disruptive. In summary, the available evidence is currently insufficient to determine the role of this variant in disease. Therefore, it has been classified as a Variant of Uncertain Significance.

NM_031935.3(HMCN1):c.667C>A (p.Leu223Ile)

Gene: HMCN1 (hemicentin 1; plus strand). Cytogenetic location: 1q31.1.
Variant type: single nucleotide variant.
Coding change: c.667C>A on transcript NM_031935.3 (MANE Select); coding-DNA position 667, C replaced by A.
Protein change: p.Leu223Ile; replaces leucine 223 with isoleucine.
Molecular consequence: missense variant.
Genome position (GRCh38, 1-based): chr1:185,909,382, C>A. VCF-style: chr1-185909382-C-A. GRCh37 (hg19) VCF-style: chr1-185878514-C-A.
Other names: short protein forms L223I.
Identifiers: ClinVar variation 1979245 (VCV001979245.4), dbSNP rs572742171, ClinGen allele CA1290912.
Genomic context (GRCh38, chr1:185,909,382, plus strand): 5'-CTTTCTCTCTTATAGGTATTAAAATGGGTAGAAGAAGCAGTACAGGCCTCCAAAGTTCAC[C>A]TTTTATCCACAGATCATTTGGAACAGGCTGTAAATACTTGGAGAATTCCTTTTGATCCCA-3'
Protein context (NP_114141.2, residues 213-233): EEAVQASKVH[Leu223Ile]LSTDHLEQAV